The following is an entry in ClinVar:

ClinVar aggregate classification (germline): Likely benign (1 of 4 stars; one submission).

Conditions:
NRP1-related disorder. Also called: NRP1-related condition.

gnomAD v4.1: 3 of 1,614,060 alleles (0.00019%); highest among the groups gnomAD compares: Admixed American, 0.005%; no homozygotes.

Submission:

PreventionGenetics, part of Exact Sciences
Classification: Likely benign for NRP1-related condition. Last evaluated: 2026-06-12. Review status: criteria provided, single submitter. Criteria: ACMG Guidelines, 2015. Collection method: clinical testing. Allele origin: germline.
Comment: This variant is classified as likely benign based on ACMG/AMP sequence variant interpretation guidelines (Richards et al. 2015 PMID: 25741868, with internal and published modifications).

NM_003873.7(NRP1):c.1476G>A (p.Glu492=)

Gene: NRP1 (neuropilin 1; minus strand). Cytogenetic location: 10p11.22.
Variant type: single nucleotide variant.
Coding change: c.1476G>A on transcript NM_003873.7 (MANE Select); coding-DNA position 1476, G replaced by A.
Protein change: p.Glu492=; no amino-acid change (glutamic acid 492 retained).
Molecular consequence: synonymous variant. On other transcripts: non-coding transcript variant (1).
Genome position (GRCh38, 1-based): chr10:33,213,524, C>T on the plus strand (G>A on the coding strand, the complement: NRP1 is on the minus strand). VCF-style: chr10-33213524-C-T. GRCh37 (hg19) VCF-style: chr10-33502452-C-T.
Other names: c.1476G>A, p.Glu492= (NM_001024628.3, NM_001024629.3, NM_001244972.2 and 2 more transcripts).
Identifiers: ClinVar variation 4988157 (VCV004988157.1).